The following is an entry in ClinVar:

ClinVar aggregate classification (germline): Likely benign (1 of 4 stars; one submission).

Submission:

CeGaT Center for Human Genetics Tuebingen
Classification: Likely benign. Last evaluated: 2023-04-01. Review status: criteria provided, single submitter. Criteria: CeGaT Center For Human Genetics Tuebingen Variant Classification Criteria Version 2. Collection method: clinical testing. Allele origin: germline. Affected: yes. Observed: 1 variant allele.
Comment: POU3F3: BP3

NM_006236.3(POU3F3):c.131_148del (p.Ala44_Gly49del)

Gene: POU3F3 (POU class 3 homeobox 3; plus strand). Cytogenetic location: 2q12.1.
Variant type: Deletion.
Coding change: c.131_148del on transcript NM_006236.3 (MANE Select); coding-DNA positions 131 to 148, 18 bases deleted (CAGGGGGCGGGGGCGGCG).
Protein change: p.Ala44_Gly49del.
Molecular consequence: inframe deletion.
Genome position (GRCh38, 1-based): chr2:104,855,641-104,855,658, CAGGGGGCGGGGGCGGCG deleted; deleting any 18 consecutive bases within chr2:104,855,628-104,855,658 gives the same sequence; the c. name uses the placement nearest the transcript's 3' end. VCF-style (leftmost placement, unchanged base first): chr2-104855627-CGGCGGGGGCGGCGCAGGG-C. GRCh37 (hg19) VCF-style: chr2-105472085-CGGCGGGGGCGGCGCAGGG-C.
Identifiers: ClinVar variation 2651216 (VCV002651216.24), dbSNP rs1296804946, ClinGen allele CA535103174.